The following is an entry in ClinVar:

NM_024675.4(PALB2):c.3134_3135delinsCT (p.Leu1045Pro)

Gene: PALB2 (partner and localizer of BRCA2; minus strand). Cytogenetic location: 16p12.2.
Variant type: Indel.
Coding change: c.3134_3135delinsCT on transcript NM_024675.4 (MANE Select); coding-DNA positions 3134 to 3135, TC replaced by CT.
Protein change: p.Leu1045Pro; replaces leucine 1045 with proline.
Molecular consequence: missense variant. On other transcripts: intron variant (3).
Genome position (GRCh38, 1-based): chr16:23,614,070-23,614,071, GA replaced by AG on the plus strand (TC replaced by CT on the coding strand, the reverse complement: PALB2 is on the minus strand). VCF-style: chr16-23614070-GA-AG. GRCh37 (hg19) VCF-style: chr16-23625391-GA-AG.
Other names: c.3074_3075delinsCT, p.Leu1025Pro (NM_001407296.1); c.3062_3063delinsCT, p.Leu1021Pro (NM_001407297.1); c.2972_2973delinsCT, p.Leu991Pro (NM_001407298.1, NM_001407302.1); c.2855_2856delinsCT, p.Leu952Pro (NM_001407300.1); c.3134_3135delinsCT, p.Leu1045Pro (NM_001407301.1); c.2249_2250delinsCT, p.Leu750Pro (NM_001407304.1, NM_001407305.1, NM_001407306.1 and 2 more transcripts); c.2087_2088delinsCT, p.Leu696Pro (NM_001407307.1); c.1346_1347delinsCT, p.Leu449Pro (NM_001407312.1, NM_001407313.1); and 3 more; short protein forms L1025P, L449P, L952P, L991P, L1045P, L750P, L1021P, L223P.
Identifiers: ClinVar variation 3655989 (VCV003655989.2).

ClinVar aggregate classification (germline): Uncertain significance (1 of 4 stars; one submission).

Conditions:
Familial cancer of breast. Also called: hereditary breast carcinoma; BREAST CANCER, FAMILIAL; Hereditary breast cancer. Identifiers: Orphanet 227535, MedGen C0346153, MONDO:0016419, OMIM 114480. Disease mechanism: loss of function.

Submission:

Labcorp Genetics (formerly Invitae), Labcorp
Classification: Uncertain significance for Familial cancer of breast. Last evaluated: 2024-06-09. Review status: criteria provided, single submitter. Criteria: Invitae Variant Classification Sherloc (09022015). Collection method: clinical testing. Allele origin: germline.
Comment: This sequence change replaces leucine, which is neutral and non-polar, with proline, which is neutral and non-polar, at codon 1045 of the PALB2 protein (p.Leu1045Pro). Information on the frequency of this variant in the gnomAD database is not available, as this variant may be reported differently in the database. This variant has not been reported in the literature in individuals affected with PALB2-related conditions. An algorithm developed to predict the effect of missense changes on protein structure and function (PolyPhen-2) suggests that this variant is likely to be disruptive. In summary, the available evidence is currently insufficient to determine the role of this variant in disease. Therefore, it has been classified as a Variant of Uncertain Significance.